The following is an entry in ClinVar:

ClinVar aggregate classification (germline): Likely benign. Review status: criteria provided, multiple submitters, no conflicts (2 of 4 stars). 3 submissions from 3 submitters: Likely benign (3). Last evaluated 2025-02-13.

Conditions:
Dilated cardiomyopathy 1G (CMD1G). Identifiers: Orphanet 154, MedGen C1858763, MONDO:0011400, OMIM 604145.
Autosomal recessive limb-girdle muscular dystrophy type 2J (LGMDR10). Also called: MUSCULAR DYSTROPHY, LIMB-GIRDLE, AUTOSOMAL RECESSIVE 10; Limb-girdle muscular dystrophy, type 2J. Identifiers: Orphanet 140922, MedGen C1837342, MONDO:0012127, OMIM 608807.

Allele frequency attached by ClinVar (database versions not stated): gnomAD exomes below 0.00001.
gnomAD v4.1: 1 of 1,613,344 alleles (0.000062%); highest among the groups gnomAD compares: Non-Finnish European, 0.000085%; no homozygotes.

Submissions (3):

Labcorp Genetics (formerly Invitae), Labcorp
Classification: Likely benign for Dilated cardiomyopathy 1G; Autosomal recessive limb-girdle muscular dystrophy type 2J. Last evaluated: 2025-02-13. Review status: criteria provided, single submitter. Criteria: Invitae Variant Classification Sherloc (09022015). Collection method: clinical testing. Allele origin: germline.

Blueprint Genetics
Classification: Likely benign. Last evaluated: 2023-10-11. Review status: criteria provided, single submitter. Criteria: ACMG Guidelines, 2015. Collection method: clinical testing. Allele origin: germline.

CeGaT Center for Human Genetics Tuebingen
Classification: Likely benign. Last evaluated: 2023-06-01. Review status: criteria provided, single submitter. Criteria: CeGaT Center For Human Genetics Tuebingen Variant Classification Criteria Version 2. Collection method: clinical testing. Allele origin: germline. Affected: yes. Observed: 1 variant allele.
Comment: TTN: PM2:Supporting, BP4, BP7

NM_001267550.2(TTN):c.60666C>T (p.Val20222=)

Genes: TTN (titin; minus strand), TTN-AS1 (TTN antisense RNA 1; plus strand). Cytogenetic location: 2q31.2.
Variant type: single nucleotide variant.
Coding change: c.60666C>T on transcript NM_001267550.2 (MANE Select); coding-DNA position 60666, C replaced by T.
Protein change: p.Val20222=; no amino-acid change (valine 20222 retained).
Molecular consequence: synonymous variant.
Genome position (GRCh38, 1-based): chr2:178,591,059, G>A on the plus strand (C>T on the coding strand, the complement: TTN is on the minus strand). VCF-style: chr2-178591059-G-A. GRCh37 (hg19) VCF-style: chr2-179455786-G-A.
Other names: c.55743C>T, p.Val18581= (NM_001256850.1); c.33471C>T, p.Val11157= (NM_003319.4); c.52962C>T, p.Val17654= (NM_133378.4); c.33846C>T, p.Val11282= (NM_133432.3); c.34047C>T, p.Val11349= (NM_133437.4).
Identifiers: ClinVar variation 756862 (VCV000756862.32), dbSNP rs1576097762, ClinGen allele CA430266412.
Genomic context (GRCh38, chr2:178,591,059, plus strand): 5'-ATATTCACAGCCCTTCTGCAGATGTGGGATTTTCAGCTTTGTCTTACTGCTTCCGGAAGA[G>A]ACAACACCCCACGTGTCTTTCCTTGTATCTTGTTTCTCAACAATATAATTTATCACAGGG-3'
Protein context (NP_001254479.2, residues 20212-20232): QDTRKDTWGV[Val20222=]SSGSSKTKLK